The following is an entry in ClinVar:

NM_006031.6(PCNT):c.1849G>C (p.Glu617Gln)

Gene: PCNT (pericentrin; plus strand). Cytogenetic location: 21q22.3.
Variant type: single nucleotide variant.
Coding change: c.1849G>C on transcript NM_006031.6 (MANE Select); coding-DNA position 1849, G replaced by C.
Protein change: p.Glu617Gln; replaces glutamic acid 617 with glutamine.
Molecular consequence: missense variant.
Genome position (GRCh38, 1-based): chr21:46,355,539, G>C. VCF-style: chr21-46355539-G-C. GRCh37 (hg19) VCF-style: chr21-47775454-G-C.
Other names: c.1495G>C, p.Glu499Gln (NM_001315529.2); short protein forms E617Q, E499Q.
Identifiers: ClinVar variation 436257 (VCV000436257.8), dbSNP rs747165033, ClinGen allele CA10078789.

ClinVar aggregate classification (germline): Uncertain significance. Review status: criteria provided, multiple submitters, no conflicts (2 of 4 stars). 2 submissions from 2 submitters: Uncertain significance (2). Last evaluated 2026-06-12.

Conditions:
PCNT-related disorder. Also called: PCNT-related condition.

Allele frequency attached by ClinVar (database versions not stated): TOPMed below 0.00001; ExAC 0.00001; gnomAD exomes 0.00002.
gnomAD v4.1: 4 of 1,614,150 alleles (0.00025%); highest among the groups gnomAD compares: Admixed American, 0.0067%; no homozygotes.

Submissions (2):

PreventionGenetics, part of Exact Sciences
Classification: Uncertain significance for PCNT-related condition. Last evaluated: 2026-06-12. Review status: criteria provided, single submitter. Criteria: ACMG Guidelines, 2015. Collection method: clinical testing. Allele origin: germline.
Comment: The PCNT c.1849G>C variant is predicted to result in the amino acid substitution p.Glu617Gln. To our knowledge, this variant has not been reported in the literature. This variant is reported in 0.012% of alleles in individuals of Latino descent in gnomAD. At this time, the clinical significance of this variant is uncertain due to the absence of conclusive functional and genetic evidence.

Genetic Services Laboratory, University of Chicago
Classification: Uncertain significance. Last evaluated: 2015-09-23. Review status: criteria provided, single submitter. Criteria: ACMG Guidelines, 2015. Collection method: clinical testing. Allele origin: germline. Affected: no.